The following is an entry in ClinVar:

ClinVar aggregate classification (germline): Likely benign (1 of 4 stars; one submission).

gnomAD v4.1: 62 of 1,608,512 alleles (0.0039%); highest among the groups gnomAD compares: Non-Finnish European, 0.005%; no homozygotes.

Submission:

CeGaT Center for Human Genetics Tuebingen
Classification: Likely benign. Last evaluated: 2024-09-01. Review status: criteria provided, single submitter. Criteria: CeGaT Center For Human Genetics Tuebingen Variant Classification Criteria Version 2. Collection method: clinical testing. Allele origin: germline. Affected: yes. Observed: 1 variant allele.
Comment: ROBO3: BP4, BP7

NM_022370.4(ROBO3):c.222G>A (p.Leu74=)

Gene: ROBO3 (roundabout guidance receptor 3; plus strand). Cytogenetic location: 11q24.2.
Variant type: single nucleotide variant.
Coding change: c.222G>A on transcript NM_022370.4 (MANE Select); coding-DNA position 222, G replaced by A.
Protein change: p.Leu74=; no amino-acid change (leucine 74 retained).
Molecular consequence: synonymous variant.
Genome position (GRCh38, 1-based): chr11:124,868,863, G>A. VCF-style: chr11-124868863-G-A. GRCh37 (hg19) VCF-style: chr11-124738759-G-A.
Identifiers: ClinVar variation 3389107 (VCV003389107.14).